The following is an entry in ClinVar:

ClinVar aggregate classification (germline): Uncertain significance (1 of 4 stars; one submission).

Conditions:
Immunodeficiency 39 (IMD39). Identifiers: Orphanet 574918, MedGen C4225358, MONDO:0014597, OMIM 616345.

Submission:

Labcorp Genetics (formerly Invitae), Labcorp
Classification: Uncertain significance for Immunodeficiency 39. Last evaluated: 2025-09-09. Review status: criteria provided, single submitter. Criteria: Invitae Variant Classification Sherloc (09022015). Collection method: clinical testing. Allele origin: germline.
Comment: This sequence change replaces proline, which is neutral and non-polar, with arginine, which is basic and polar, at codon 330 of the IRF7 protein (p.Pro330Arg). This variant is present in population databases (no rsID available, gnomAD 0.007%). This variant has not been reported in the literature in individuals affected with IRF7-related conditions. ClinVar contains an entry for this variant (Variation ID: 3010688). Invitae Evidence Modeling of protein sequence and biophysical properties (such as structural, functional, and spatial information, amino acid conservation, physicochemical variation, residue mobility, and thermodynamic stability) has been performed for this missense variant. However, the output from this modeling did not meet the statistical confidence thresholds required to predict the impact of this variant on IRF7 protein function. In summary, the available evidence is currently insufficient to determine the role of this variant in disease. Therefore, it has been classified as a Variant of Uncertain Significance.

NM_001572.5(IRF7):c.950C>G (p.Pro317Arg)

Gene: IRF7 (interferon regulatory factor 7; minus strand). Cytogenetic location: 11p15.5.
Variant type: single nucleotide variant.
Coding change: c.950C>G on transcript NM_001572.5 (MANE Select); coding-DNA position 950, C replaced by G.
Protein change: p.Pro317Arg; replaces proline 317 with arginine.
Molecular consequence: missense variant.
Genome position (GRCh38, 1-based): chr11:613,493, G>C on the plus strand (C>G on the coding strand, the complement: IRF7 is on the minus strand). VCF-style: chr11-613493-G-C. GRCh37 (hg19) VCF-style: chr11-613493-G-C.
Other names: c.863C>G, p.Pro288Arg (NM_004029.4); c.989C>G, p.Pro330Arg (NM_004031.4); short protein forms P330R, P317R, P288R.
Identifiers: ClinVar variation 3010688 (VCV003010688.3), dbSNP rs776833814, ClinGen allele CA378979389.